The following is an entry in ClinVar:

ClinVar aggregate classification (germline): Uncertain significance (1 of 4 stars; one submission).

gnomAD v4.1: 4 of 1,614,152 alleles (0.00025%); highest among the groups gnomAD compares: African/African-American, 0.0013%; no homozygotes.

Submission:

Labcorp Genetics (formerly Invitae), Labcorp
Classification: Uncertain significance. Last evaluated: 2022-12-09. Review status: criteria provided, single submitter. Criteria: Invitae Variant Classification Sherloc (09022015). Collection method: clinical testing. Allele origin: germline.
Comment: In summary, the available evidence is currently insufficient to determine the role of this variant in disease. Therefore, it has been classified as a Variant of Uncertain Significance. Advanced modeling of protein sequence and biophysical properties (such as structural, functional, and spatial information, amino acid conservation, physicochemical variation, residue mobility, and thermodynamic stability) performed at Invitae indicates that this missense variant is not expected to disrupt LRP2 protein function. This variant has not been reported in the literature in individuals affected with LRP2-related conditions. This variant is not present in population databases (gnomAD no frequency). This sequence change replaces serine, which is neutral and polar, with phenylalanine, which is neutral and non-polar, at codon 2635 of the LRP2 protein (p.Ser2635Phe).

NM_004525.3(LRP2):c.7904C>T (p.Ser2635Phe)

Gene: LRP2 (LDL receptor related protein 2; minus strand). Cytogenetic location: 2q31.1.
Variant type: single nucleotide variant.
Coding change: c.7904C>T on transcript NM_004525.3 (MANE Select); coding-DNA position 7904, C replaced by T.
Protein change: p.Ser2635Phe; replaces serine 2635 with phenylalanine.
Molecular consequence: missense variant.
Genome position (GRCh38, 1-based): chr2:169,204,083, G>A on the plus strand (C>T on the coding strand, the complement: LRP2 is on the minus strand). VCF-style: chr2-169204083-G-A. GRCh37 (hg19) VCF-style: chr2-170060593-G-A.
Other names: short protein forms S2635F.
Identifiers: ClinVar variation 2975270 (VCV002975270.3), dbSNP rs2545801397, ClinGen allele CA349167275.